The following is an entry in ClinVar:

ClinVar aggregate classification (germline): Conflicting classifications of pathogenicity. Review status: criteria provided, conflicting classifications (1 of 4 stars). 5 submissions from 5 submitters: Uncertain significance (2); Benign (1); Likely benign (2). Last evaluated 2026-01-19.

Allele frequency attached by ClinVar (database versions not stated): 1000 Genomes Project 30x 0.00125; gnomAD 0.00142 and 0.00155; ESP Exome Variant Server 0.00161; TOPMed 0.00196; gnomAD exomes 0.00048 and 0.00064; ExAC 0.00068; 1000 Genomes Project 0.00100.
gnomAD v4.1: 925 of 1,587,506 alleles (0.058%); highest among the groups gnomAD compares: African/African-American, 0.39%; 1 homozygote.

Submissions (5):

Labcorp Genetics (formerly Invitae), Labcorp
Classification: Benign. Last evaluated: 2026-01-19. Review status: criteria provided, single submitter. Criteria: Invitae Variant Classification Sherloc (09022015). Collection method: clinical testing. Allele origin: germline.

CeGaT Center for Human Genetics Tuebingen
Classification: Likely benign. Last evaluated: 2026-01-01. Review status: criteria provided, single submitter. Criteria: CeGaT Center For Human Genetics Tuebingen Variant Classification Criteria Version 2. Collection method: clinical testing. Allele origin: germline. Affected: yes. Observed: 3 variant alleles.
Comment: CEP135: BP4, BP7

Blueprint Genetics
Classification: Likely benign. Last evaluated: 2024-10-09. Review status: criteria provided, single submitter. Criteria: ACMG Guidelines, 2015. Collection method: clinical testing. Allele origin: germline.

Eurofins Ntd Llc (ga)
Classification: Uncertain significance. Last evaluated: 2016-01-28. Review status: criteria provided, single submitter. Criteria: EGL Classification Definitions 2015. Collection method: clinical testing. Allele origin: germline. Observed: 1 variant allele, 1 heterozygote.

Genetic Services Laboratory, University of Chicago
Classification: Uncertain significance. Last evaluated: 2014-11-25. Review status: criteria provided, single submitter. Criteria: ACMG Guidelines, 2015. Collection method: clinical testing. Allele origin: germline.

NM_025009.5(CEP135):c.1740A>G (p.Arg580=)

Gene: CEP135 (centrosomal protein 135; plus strand). Cytogenetic location: 4q12.
Variant type: single nucleotide variant.
Coding change: c.1740A>G on transcript NM_025009.5 (MANE Select); coding-DNA position 1740, A replaced by G.
Protein change: p.Arg580=; no amino-acid change (arginine 580 retained).
Molecular consequence: synonymous variant.
Genome position (GRCh38, 1-based): chr4:55,981,340, A>G. VCF-style: chr4-55981340-A-G. GRCh37 (hg19) VCF-style: chr4-56847506-A-G.
Identifiers: ClinVar variation 210675 (VCV000210675.27), dbSNP rs59759676, ClinGen allele CA205117.
Genomic context (GRCh38, chr4:55,981,340, plus strand): 5'-CCATAATATTGTTAGTCTTATGGAAAAGGAAAAAGAACTTGCGTTATCTGACTTAAGAAG[A>G]ATTATGGCAGAAAAGGAAGCTTTAAGAGAAAAATTAGAGGTAAGAAGATTGACATGTTTT-3'
Protein context (NP_079285.2, residues 570-590): EKELALSDLR[Arg580=]IMAEKEALRE